The following is an entry in ClinVar:

ClinVar aggregate classification (germline): Pathogenic/Likely pathogenic. Review status: criteria provided, multiple submitters, no conflicts (2 of 4 stars). 3 submissions from 3 submitters: Pathogenic (1); Likely pathogenic (2). Last evaluated 2025-12-02.

Conditions:
Polycystic kidney disease 4 (PKD4). Also called: POLYCYSTIC KIDNEY DISEASE 4 WITH OR WITHOUT POLYCYSTIC LIVER DISEASE; PKD3; Autosomal Recessive Polycystic Kidney Disease – PKHD1; POLYCYSTIC KIDNEY AND HEPATIC DISEASE 1; POLYCYSTIC KIDNEY DISEASE, INFANTILE, TYPE I. Identifiers: MedGen C4540575, MONDO:0033004, OMIM 263200.
Autosomal recessive polycystic kidney disease (ARPKD). Also called: AR polycystic kidney disease. Identifiers: Orphanet 731, Orphanet 8378, MedGen C0085548, MeSH D017044, MONDO:0009889.

Allele frequency attached by ClinVar (database versions not stated): TOPMed 0.00001.

Submissions (3):

Natera, Inc.
Classification: Likely pathogenic for Autosomal recessive polycystic kidney disease. Last evaluated: 2025-12-02. Review status: criteria provided, single submitter. Criteria: Natera Variant Classification Schema (03/2026). Collection method: clinical testing. Allele origin: germline.
Comment: The c.9003C>G variant in PKHD1 is a nonsense variant predicted to introduce a stop codon at amino acid 3001. This variant is expected to result in nonsense mediated decay, truncation, or a dysfunctional protein product. This variant is rare in the general population with a frequency below the threshold expected for the associated phenotype(s). Given the available evidence, this variant is classified as Likely Pathogenic.

Labcorp Genetics (formerly Invitae), Labcorp
Classification: Pathogenic for Autosomal recessive polycystic kidney disease. Last evaluated: 2025-06-12. Review status: criteria provided, single submitter. Criteria: Invitae Variant Classification Sherloc (09022015). Collection method: clinical testing. Allele origin: germline.
Comment: This sequence change creates a premature translational stop signal (p.Tyr3001*) in the PKHD1 gene. It is expected to result in an absent or disrupted protein product. Loss-of-function variants in PKHD1 are known to be pathogenic (PMID: 19940839). This variant is not present in population databases (gnomAD no frequency). This variant has not been reported in the literature in individuals affected with PKHD1-related conditions. ClinVar contains an entry for this variant (Variation ID: 663999). Algorithms developed to predict the effect of sequence changes on RNA splicing suggest that this variant may disrupt the consensus splice site. For these reasons, this variant has been classified as Pathogenic.

Baylor Genetics
Classification: Likely pathogenic for Polycystic kidney disease 4. Last evaluated: 2023-06-05. Review status: criteria provided, single submitter. Criteria: ACMG Guidelines, 2015. Collection method: clinical testing. Allele origin: unknown.

Literature cited by the submitters: PubMed 19940839 (cited by Labcorp Genetics (formerly Invitae), Labcorp).

NM_138694.4(PKHD1):c.9003C>G (p.Tyr3001Ter)

Gene: PKHD1 (PKHD1 ciliary IPT domain containing fibrocystin/polyductin; minus strand). Cytogenetic location: 6p12.3.
Variant type: single nucleotide variant.
Coding change: c.9003C>G on transcript NM_138694.4 (MANE Select); coding-DNA position 9003, C replaced by G.
Protein change: p.Tyr3001Ter; replaces tyrosine 3001 with a stop codon.
Molecular consequence: nonsense.
Genome position (GRCh38, 1-based): chr6:51,748,613, G>C on the plus strand (C>G on the coding strand, the complement: PKHD1 is on the minus strand). VCF-style: chr6-51748613-G-C. GRCh37 (hg19) VCF-style: chr6-51613411-G-C.
Other names: c.9003C>G, p.Tyr3001Ter (NM_170724.3); short protein forms Y3001*.
Identifiers: ClinVar variation 663999 (VCV000663999.9), dbSNP rs775628123, ClinGen allele CA364424247.
Genomic context (GRCh38, chr6:51,748,613, plus strand): 5'-GTGCAGAGTAGATGATATGATCCAGGATCCTGCTGACACATTACTGAATTCAACAGATGA[G>C]TACAATGGTGACCCGAAGTTCTGAATTTCCACATTAAGAAGTTGAAGGACACCTATAAAC-3'